The following is an entry in ClinVar:

NM_000516.7(GNAS):c.364C>G (p.Pro122Ala)

Gene: GNAS (GNAS complex locus; plus strand). Cytogenetic location: 20q13.32.
Variant type: single nucleotide variant.
Coding change: c.364C>G on transcript NM_000516.7 (MANE Select); coding-DNA position 364, C replaced by G.
Protein change: p.Pro122Ala; replaces proline 122 with alanine.
Molecular consequence: missense variant. On other transcripts: 3 prime UTR variant (2).
Genome position (GRCh38, 1-based): chr20:58,903,723, C>G. VCF-style: chr20-58903723-C-G. GRCh37 (hg19) VCF-style: chr20-57478778-C-G.
Other names: c.367C>G, p.Pro123Ala (NM_001077488.5); c.319C>G, p.Pro107Ala (NM_001077489.4); c.*225C>G (NM_001077490.3); c.187C>G, p.Pro63Ala (NM_001309840.2, NM_001309861.2); c.*270C>G (NM_016592.5); c.2293C>G, p.Pro765Ala (NM_080425.4); c.322C>G, p.Pro108Ala (NM_080426.4); short protein forms P107A, P108A, P122A, P123A, P63A, P765A.
Identifiers: ClinVar variation 1299647 (VCV001299647.1), dbSNP rs2146183586, ClinGen allele CA409450464.

ClinVar aggregate classification (germline): Likely pathogenic (1 of 4 stars; one submission).

Conditions:
Pseudopseudohypoparathyroidism (PPHP). Also called: ALBRIGHT HEREDITARY OSTEODYSTROPHY WITHOUT MULTIPLE HORMONE RESISTANCE; Pseudopseudohypoparathyroidism (PPHP). Identifiers: Orphanet 79445, MedGen C0033835, MONDO:0012912, OMIM 612463.

Submission:

Laboratory of Medical Genetics, National & Kapodistrian University of Athens
Classification: Likely pathogenic for Pseudopseudohypoparathyroidism. Last evaluated: 2021-10-01. Review status: criteria provided, single submitter. Criteria: ACMG Guidelines, 2015. Collection method: clinical testing. Allele origin: unknown. Affected: yes.
Comment: PM1, PM2, PP2, PP3

Literature cited by the submitters: PubMed 34008892.